The following is an entry in ClinVar:

ClinVar aggregate classification (germline): Pathogenic. Review status: criteria provided, single submitter (1 of 4 stars). 2 submissions from 2 submitters: Pathogenic (1). 1 of the submissions does not count toward it. Last evaluated 2016-04-06.

Conditions:
AHDC1-related intellectual disability - obstructive sleep apnea - mild dysmorphism syndrome. Also called: Xia-Gibbs syndrome. Identifiers: Orphanet 412069, MedGen C4014419, MONDO:0014358, OMIM 615829.

Submissions (2):

GeneDx
Classification: Pathogenic. Last evaluated: 2016-04-06. Review status: criteria provided, single submitter. Criteria: GeneDx Variant Classification (06012015). Collection method: clinical testing. Allele origin: germline. Affected: yes.
Comment: The c.2691delA pathogenic variant in the AHDC1 gene has not been reported previously as a pathogenic variant nor as a benign variant, to our knowledge. This frameshift pathogenic variant replaces the typical last 706 amino acid residues in the AHDC1 protein with 33 different amino acid residues. This change is expected to alter the normal structure and function of the resultant protein. The AHDC1 variant was not observed in approximately 6500 individuals of European and African American ancestry in the NHLBI Exome Sequencing Project, indicating it is not a common benign variant in these populations.

Human Genome Sequencing Center Clinical Lab, Baylor College of Medicine
Classification: Pathogenic for AHDC1-related intellectual disability - obstructive sleep apnea - mild dysmorphism syndrome. Review status: no assertion criteria provided. Collection method: clinical testing. Allele origin: de novo. Affected: yes. Not counted in ClinVar's aggregate classification.

NM_001371928.1(AHDC1):c.2691del (p.Val898fs)

Gene: AHDC1 (AT-hook DNA binding motif containing 1; minus strand). Cytogenetic location: 1p36.11.
Variant type: Deletion.
Coding change: c.2691del on transcript NM_001371928.1 (MANE Select); coding-DNA position 2691, one base deleted (A; older notation c.2691delA).
Protein change: p.Val898fs; shifts the reading frame from valine 898.
Molecular consequence: frameshift variant.
Genome position (GRCh38, 1-based): chr1:27,549,425, T deleted on the plus strand (A on the coding strand, the reverse complement: AHDC1 is on the minus strand). VCF-style (leftmost placement, unchanged base first): chr1-27549424-CT-C. GRCh37 (hg19) VCF-style: chr1-27875935-CT-C.
Other names: c.2691del, p.Val898fs (NM_001029882.3); short protein forms V898fs.
Identifiers: ClinVar variation 280482 (VCV000280482.4), dbSNP rs886041676, ClinGen allele CA10602798.